The following is an entry in ClinVar:

NM_014780.5(CUL7):c.4733A>G (p.His1578Arg)

Gene: CUL7 (cullin 7; minus strand). Cytogenetic location: 6p21.1.
Variant type: single nucleotide variant.
Coding change: c.4733A>G on transcript NM_014780.5 (MANE Select); coding-DNA position 4733, A replaced by G.
Protein change: p.His1578Arg; replaces histidine 1578 with arginine.
Molecular consequence: missense variant.
Genome position (GRCh38, 1-based): chr6:43,038,307, T>C on the plus strand (A>G on the coding strand, the complement: CUL7 is on the minus strand). VCF-style: chr6-43038307-T-C. GRCh37 (hg19) VCF-style: chr6-43006045-T-C.
Other names: c.4829A>G, p.His1610Arg (NM_001168370.2, NM_001374872.1); c.4745A>G, p.His1582Arg (NM_001374873.1); c.4730A>G, p.His1577Arg (NM_001374874.1); short protein forms H1578R, H1582R, H1610R, H1577R.
Identifiers: ClinVar variation 1422972 (VCV001422972.5), dbSNP rs1412439242, ClinGen allele CA364185384.
Genomic context (GRCh38, chr6:43,038,307, plus strand): 5'-TTGTGCCCACCCCTGCCTACCAGACAGACAAGCTGGTCAATGTGCAGCCCCTCATCTCCA[T>C]GGGCCTTGAGGATTCGGACGATGAGGCAGTTCAGAAGATTCCGTCTCTTCTCCAAGTTCT-3'
Protein context (NP_055595.2, residues 1568-1588): NCLIVRILKA[His1578Arg]GDEGLHIDQL

ClinVar aggregate classification (germline): Uncertain significance (1 of 4 stars; one submission).

Allele frequency attached by ClinVar (database versions not stated): gnomAD 0.00001; gnomAD exomes 0.00001 and 0.00003.
gnomAD v4.1: 45 of 1,614,044 alleles (0.0028%); highest among the groups gnomAD compares: Non-Finnish European, 0.0035%; no homozygotes.

Submission:

Labcorp Genetics (formerly Invitae), Labcorp
Classification: Uncertain significance. Last evaluated: 2022-06-27. Review status: criteria provided, single submitter. Criteria: Invitae Variant Classification Sherloc (09022015). Collection method: clinical testing. Allele origin: germline.
Comment: This sequence change replaces histidine, which is basic and polar, with arginine, which is basic and polar, at codon 1578 of the CUL7 protein (p.His1578Arg). This variant is present in population databases (no rsID available, gnomAD 0.004%). This variant has not been reported in the literature in individuals affected with CUL7-related conditions. Algorithms developed to predict the effect of missense changes on protein structure and function are either unavailable or do not agree on the potential impact of this missense change (SIFT: "Deleterious"; PolyPhen-2: "Benign"; Align-GVGD: "Class C0"). In summary, the available evidence is currently insufficient to determine the role of this variant in disease. Therefore, it has been classified as a Variant of Uncertain Significance.